The following is an entry in ClinVar:

NM_000180.4(GUCY2D):c.2779A>G (p.Ile927Val)

Gene: GUCY2D (guanylate cyclase 2D, retinal; plus strand). Cytogenetic location: 17p13.1.
Variant type: single nucleotide variant.
Coding change: c.2779A>G on transcript NM_000180.4 (MANE Select); coding-DNA position 2779, A replaced by G.
Protein change: p.Ile927Val; replaces isoleucine 927 with valine.
Molecular consequence: missense variant.
Genome position (GRCh38, 1-based): chr17:8,015,337, A>G. VCF-style: chr17-8015337-A-G. GRCh37 (hg19) VCF-style: chr17-7918655-A-G.
Other names: short protein forms I927V.
Identifiers: ClinVar variation 1026723 (VCV001026723.8), dbSNP rs1975943872, ClinGen allele CA397954317.

ClinVar aggregate classification (germline): Uncertain significance (1 of 4 stars; one submission).

Conditions:
Cone-rod dystrophy 6 (CORD6). Also called: RETINAL CONE DYSTROPHY 2; Cone dystrophy progressive. Identifiers: Orphanet 1872, MedGen C1866293, MONDO:0011143, OMIM 601777.
Leber congenital amaurosis 1 (LCA1). Also called: RETINAL BLINDNESS, CONGENITAL; Congenital absence of the rods and cones; Leber's congenital tapetoretinal degeneration; Leber's congenital tapetoretinal dysplasia; AMAUROSIS CONGENITA OF LEBER I. Identifiers: Orphanet 65, MedGen C2931258, MONDO:0008764, OMIM 204000.

Submission:

Labcorp Genetics (formerly Invitae), Labcorp
Classification: Uncertain significance for Leber congenital amaurosis 1; Cone-rod dystrophy 6. Last evaluated: 2020-10-27. Review status: criteria provided, single submitter. Criteria: Invitae Variant Classification Sherloc (09022015). Collection method: clinical testing. Allele origin: germline.
Comment: This variant is not present in population databases (ExAC no frequency). This sequence change replaces isoleucine with valine at codon 927 of the GUCY2D protein (p.Ile927Val). The isoleucine residue is highly conserved and there is a small physicochemical difference between isoleucine and valine. This variant has not been reported in the literature in individuals with GUCY2D-related conditions. In summary, the available evidence is currently insufficient to determine the role of this variant in disease. Therefore, it has been classified as a Variant of Uncertain Significance. Algorithms developed to predict the effect of sequence changes on RNA splicing suggest that this variant may create or strengthen a splice site, but this prediction has not been confirmed by published transcriptional studies. Algorithms developed to predict the effect of missense changes on protein structure and function (SIFT, PolyPhen-2, Align-GVGD) all suggest that this variant is likely to be disruptive, but these predictions have not been confirmed by published functional studies and their clinical significance is uncertain.